The following is an entry in ClinVar:

NM_000733.4(CD3E):c.202_228del (p.Gly68_Gly76del)

Gene: CD3E (CD3 epsilon subunit of T-cell receptor complex; plus strand). Cytogenetic location: 11q23.3.
Variant type: Deletion.
Coding change: c.202_228del on transcript NM_000733.4 (MANE Select); coding-DNA positions 202 to 228, 27 bases deleted (GGTGATGAGGATGATAAAAACATAGGC).
Protein change: p.Gly68_Gly76del.
Molecular consequence: inframe deletion.
Genome position (GRCh38, 1-based): chr11:118,312,716-118,312,742, GGTGATGAGGATGATAAAAACATAGGC deleted; deleting any 27 consecutive bases within chr11:118,312,699-118,312,742 gives the same sequence; the c. name uses the placement nearest the transcript's 3' end. VCF-style (leftmost placement, unchanged base first): chr11-118312698-AATGATAAAAACATAGGCGGTGATGAGG-A. GRCh37 (hg19) VCF-style: chr11-118183413-AATGATAAAAACATAGGCGGTGATGAGG-A.
Identifiers: ClinVar variation 967299 (VCV000967299.1), dbSNP rs758638097, ClinGen allele CA6301635.
Genomic context (GRCh38, chr11:118,312,698, plus strand): 5'-GGAACCACAGTAATATTGACATGCCCTCAGTATCCTGGATCTGAAATACTATGGCAACAC[AATGATAAAAACATAGGCGGTGATGAGG>A]ATGATAAAAACATAGGCAGTGATGAGGATCACCTGTCACTGAAGGAATTTTCAGAATTGG-3'

ClinVar aggregate classification (germline): Uncertain significance (1 of 4 stars; one submission).

Conditions:
Immunodeficiency 18 (IMD18). Also called: CD3-EPSILON DEFICIENCY; CD3epsilon deficiency. Identifiers: MedGen C3810127, MONDO:0014278, OMIM 615615.

Submission:

Labcorp Genetics (formerly Invitae), Labcorp
Classification: Uncertain significance for Immunodeficiency 18. Last evaluated: 2019-11-03. Review status: criteria provided, single submitter. Criteria: Invitae Variant Classification Sherloc (09022015). Collection method: clinical testing. Allele origin: germline.
Comment: This variant, c.202_228del, results in the deletion of 9 amino acids of the CD3E protein (p.Gly68_Gly76del), but otherwise preserves the integrity of the reading frame. The frequency data for this variant in the population databases is considered unreliable, as metrics indicate poor data quality at this position in the ExAC database. This variant has not been reported in the literature in individuals with CD3E-related conditions. Experimental studies and prediction algorithms are not available or were not evaluated, and the functional significance of this variant is currently unknown. In summary, the available evidence is currently insufficient to determine the role of this variant in disease. Therefore, it has been classified as a Variant of Uncertain Significance.